The following is an entry in ClinVar:

ClinVar aggregate classification (germline): Likely benign. Review status: criteria provided, multiple submitters, no conflicts (2 of 4 stars). 2 submissions from 2 submitters: Likely benign (2). Last evaluated 2026-01-21.

Conditions:
DCHS1-related disorder. Also called: DCHS1-related condition.

Allele frequency attached by ClinVar (database versions not stated): ExAC 0.00002; gnomAD exomes 0.00002; gnomAD 0.00004; TOPMed 0.00007; ESP Exome Variant Server 0.00008.
gnomAD v4.1: 41 of 1,613,972 alleles (0.0025%); highest among the groups gnomAD compares: Admixed American, 0.017%; 1 homozygote.

Submissions (2):

Labcorp Genetics (formerly Invitae), Labcorp
Classification: Likely benign. Last evaluated: 2026-01-21. Review status: criteria provided, single submitter. Criteria: Invitae Variant Classification Sherloc (09022015). Collection method: clinical testing. Allele origin: germline.

PreventionGenetics, part of Exact Sciences
Classification: Likely benign for DCHS1-related condition. Last evaluated: 2025-11-06. Review status: criteria provided, single submitter. Criteria: ACMG Guidelines, 2015. Collection method: clinical testing. Allele origin: germline.
Comment: This variant is classified as likely benign based on ACMG/AMP sequence variant interpretation guidelines (Richards et al. 2015 PMID: 25741868, with internal and published modifications).

NM_003737.4(DCHS1):c.3678A>G (p.Val1226=)

Gene: DCHS1 (dachsous cadherin-related 1; minus strand). Cytogenetic location: 11p15.4.
Variant type: single nucleotide variant.
Coding change: c.3678A>G on transcript NM_003737.4 (MANE Select); coding-DNA position 3678, A replaced by G.
Protein change: p.Val1226=; no amino-acid change (valine 1226 retained).
Molecular consequence: synonymous variant.
Genome position (GRCh38, 1-based): chr11:6,631,405, T>C on the plus strand (A>G on the coding strand, the complement: DCHS1 is on the minus strand). VCF-style: chr11-6631405-T-C. GRCh37 (hg19) VCF-style: chr11-6652636-T-C.
Other names: c.3678A>G (NM_003737.3).
Identifiers: ClinVar variation 2171731 (VCV002171731.5), dbSNP rs374415969, ClinGen allele CA5860460.